The following is an entry in ClinVar:

ClinVar aggregate classification (germline): Uncertain significance (1 of 4 stars; one submission).

gnomAD v4.1: 4 of 1,613,972 alleles (0.00025%); highest among the groups gnomAD compares: South Asian, 0.0044%; no homozygotes.

Submission:

Ambry Genetics
Classification: Uncertain significance. Last evaluated: 2025-01-03. Review status: criteria provided, single submitter. Criteria: Ambry Variant Classification Scheme 2023. Collection method: clinical testing. Allele origin: germline.
Comment: The p.P571R variant (also known as c.1712C>G), located in coding exon 2 of the CDK12 gene, results from a C to G substitution at nucleotide position 1712. The proline at codon 571 is replaced by arginine, an amino acid with dissimilar properties. This amino acid position is conserved. In addition, this alteration is predicted to be tolerated by in silico analysis. Based on the available evidence, the clinical significance of this variant remains unclear.

NM_016507.4(CDK12):c.1712C>G (p.Pro571Arg)

Gene: CDK12 (cyclin dependent kinase 12; plus strand). Cytogenetic location: 17q12.
Variant type: single nucleotide variant.
Coding change: c.1712C>G on transcript NM_016507.4 (MANE Select); coding-DNA position 1712, C replaced by G.
Protein change: p.Pro571Arg; replaces proline 571 with arginine.
Molecular consequence: missense variant.
Genome position (GRCh38, 1-based): chr17:39,471,544, C>G. VCF-style: chr17-39471544-C-G. GRCh37 (hg19) VCF-style: chr17-37627797-C-G.
Other names: c.1712C>G, p.Pro571Arg (NM_015083.4); short protein forms P571R.
Identifiers: ClinVar variation 3830444 (VCV003830444.1).